The following is an entry in ClinVar:

NM_003640.5(ELP1):c.3445C>T (p.Gln1149Ter)

Gene: ELP1 (elongator acetyltransferase complex subunit 1; minus strand). Cytogenetic location: 9q31.3.
Variant type: single nucleotide variant.
Coding change: c.3445C>T on transcript NM_003640.5 (MANE Select); coding-DNA position 3445, C replaced by T.
Protein change: p.Gln1149Ter; replaces glutamine 1149 with a stop codon.
Molecular consequence: nonsense.
Genome position (GRCh38, 1-based): chr9:108,880,067, G>A on the plus strand (C>T on the coding strand, the complement: ELP1 is on the minus strand). VCF-style: chr9-108880067-G-A. GRCh37 (hg19) VCF-style: chr9-111642347-G-A.
Other names: c.3103C>T, p.Gln1035Ter (NM_001318360.2); c.2398C>T, p.Gln800Ter (NM_001330749.2); short protein forms Q1035*, Q1149*, Q800*.
Identifiers: ClinVar variation 4067276 (VCV004067276.2).

ClinVar aggregate classification (germline): Likely pathogenic (1 of 4 stars; one submission).

Conditions:
Familial dysautonomia. Also called: FD; HSAN III. Identifiers: Orphanet 1764, MedGen C0013364, MONDO:0009131, OMIM 223900. Disease mechanism: loss of function.

Submission:

Natera, Inc.
Classification: Likely pathogenic for Familial dysautonomia. Last evaluated: 2025-03-05. Review status: criteria provided, single submitter. Criteria: Natera Variant Classification Schema (03/2026). Collection method: clinical testing. Allele origin: germline.
Comment: The c.3445C>T variant in ELP1 is a nonsense variant predicted to introduce a stop codon at amino acid 1149. This variant is expected to result in nonsense mediated decay, truncation, or a dysfunctional protein product. This variant is rare in the general population with a frequency below the threshold expected for the associated phenotype(s). Given the available evidence, this variant is classified as Likely Pathogenic.